The following is an entry in ClinVar:

NM_000492.4(CFTR):c.1393-3255C>T

Genes: CFTR (CF transmembrane conductance regulator; plus strand), CFTR-AS1 (CFTR antisense RNA 1; minus strand). Cytogenetic location: 7q31.2.
Variant type: single nucleotide variant.
Coding change: c.1393-3255C>T on transcript NM_000492.4 (MANE Select); 3255 bases into the intron before coding-DNA position 1393, C replaced by T.
Molecular consequence: intron variant.
Genome position (GRCh38, 1-based): chr7:117,556,209, C>T. VCF-style: chr7-117556209-C-T. GRCh37 (hg19) VCF-style: chr7-117196263-C-T.
Identifiers: ClinVar variation 4280011 (VCV004280011.1).
Genomic context (GRCh38, chr7:117,556,209, plus strand): 5'-CTGCCTCCCGGGCTCAAGCAATTCTCCTGCCTCACCCTCCCAAGTAGCTGGGACTACAGG[C>T]ACGCACAACCACACTCAGCTAATTTTTGTATTTTTAGTAGAGACGGGGTTTCACCATGTT-3'

ClinVar aggregate classification (germline): Uncertain significance (1 of 4 stars; one submission).

Conditions:
Cystic fibrosis (CF). Also called: MUCOVISCIDOSIS. Identifiers: Orphanet 586, MedGen C0010674, MONDO:0009061, OMIM 219700. Disease mechanism: loss of function.

Submission:

Johns Hopkins Genomics, Johns Hopkins University
Classification: Uncertain significance for Cystic fibrosis. Last evaluated: 2024-04-10. Review status: criteria provided, single submitter. Criteria: ACMG Guidelines, 2015. Collection method: clinical testing. Allele origin: germline.
Comment: This intronic CFTR variant is absent from a large population dataset and has not been reported in ClinVar nor the literature, to our knowledge. Three bioinformatic tools predict that this variant may create a cryptic splice donor site and lead to CFTR missplicing, however, this has not been assessed experimentally to our knowledge. We consider the clinical significance of CFTR c.1393-3255C>T to be uncertain at this time.